The following is an entry in ClinVar:

NM_006329.4(FBLN5):c.154G>T (p.Ala52Ser)

Gene: FBLN5 (fibulin 5; minus strand). Cytogenetic location: 14q32.12.
Variant type: single nucleotide variant.
Coding change: c.154G>T on transcript NM_006329.4 (MANE Select); coding-DNA position 154, G replaced by T.
Protein change: p.Ala52Ser; replaces alanine 52 with serine.
Molecular consequence: missense variant. On other transcripts: 5 prime UTR variant (2).
Genome position (GRCh38, 1-based): chr14:91,937,172, C>A on the plus strand (G>T on the coding strand, the complement: FBLN5 is on the minus strand). VCF-style: chr14-91937172-C-A. GRCh37 (hg19) VCF-style: chr14-92403516-C-A.
Other names: c.277G>T, p.Ala93Ser (NM_001384158.1); c.205G>T, p.Ala69Ser (NM_001384159.1); c.154G>T, p.Ala52Ser (NM_001384160.1); c.-15G>T (NM_001384161.1, NM_001384162.1); short protein forms A52S, A69S, A93S.
Identifiers: ClinVar variation 2177370 (VCV002177370.4), dbSNP rs765202002, ClinGen allele CA7312918.

ClinVar aggregate classification (germline): Uncertain significance (1 of 4 stars; one submission).

Allele frequency attached by ClinVar (database versions not stated): ExAC 0.00002.
gnomAD v4.1: 2 of 1,614,076 alleles (0.00012%); highest among the groups gnomAD compares: Admixed American, 0.0033%; no homozygotes.

Submission:

Labcorp Genetics (formerly Invitae), Labcorp
Classification: Uncertain significance. Last evaluated: 2022-08-23. Review status: criteria provided, single submitter. Criteria: Invitae Variant Classification Sherloc (09022015). Collection method: clinical testing. Allele origin: germline.
Comment: In summary, the available evidence is currently insufficient to determine the role of this variant in disease. Therefore, it has been classified as a Variant of Uncertain Significance. Algorithms developed to predict the effect of missense changes on protein structure and function are either unavailable or do not agree on the potential impact of this missense change (SIFT: "Tolerated"; PolyPhen-2: "Possibly Damaging"; Align-GVGD: "Class C0"). This variant has not been reported in the literature in individuals affected with FBLN5-related conditions. This variant is present in population databases (rs765202002, gnomAD 0.009%). This sequence change replaces alanine, which is neutral and non-polar, with serine, which is neutral and polar, at codon 52 of the FBLN5 protein (p.Ala52Ser).